The following is an entry in ClinVar:

NM_000553.6(WRN):c.2732+3A>G

Gene: WRN (WRN RecQ like helicase; plus strand). Cytogenetic location: 8p12.
Variant type: single nucleotide variant.
Coding change: c.2732+3A>G on transcript NM_000553.6 (MANE Select); 3 bases into the intron after coding-DNA position 2732, A replaced by G.
Molecular consequence: intron variant.
Genome position (GRCh38, 1-based): chr8:31,124,626, A>G. VCF-style: chr8-31124626-A-G. GRCh37 (hg19) VCF-style: chr8-30982142-A-G.
Identifiers: ClinVar variation 938847 (VCV000938847.4), dbSNP rs1801849792, ClinGen allele CA1139660436.

ClinVar aggregate classification (germline): Uncertain significance (1 of 4 stars; one submission).

Conditions:
Werner syndrome (WRN). Identifiers: Orphanet 902, MedGen C0043119, MONDO:0010196, OMIM 277700.

Allele frequency attached by ClinVar (database versions not stated): gnomAD exomes below 0.00001; TOPMed below 0.00001.
gnomAD v4.1: 2 of 1,602,770 alleles (0.00012%); highest among the groups gnomAD compares: Non-Finnish European, 0.00017%; no homozygotes.

Submission:

Labcorp Genetics (formerly Invitae), Labcorp
Classification: Uncertain significance for Werner syndrome. Last evaluated: 2020-10-09. Review status: criteria provided, single submitter. Criteria: Invitae Variant Classification Sherloc (09022015). Collection method: clinical testing. Allele origin: germline.
Comment: In summary, the available evidence is currently insufficient to determine the role of this variant in disease. Therefore, it has been classified as a Variant of Uncertain Significance. Nucleotide substitutions within the consensus splice site are a relatively common cause of aberrant splicing (PMID: 17576681, 9536098). Algorithms developed to predict the effect of sequence changes on RNA splicing suggest that this variant may disrupt the consensus splice site, but this prediction has not been confirmed by published transcriptional studies. This variant has not been reported in the literature in individuals with WRN-related conditions. This variant is not present in population databases (ExAC no frequency). This sequence change falls in intron 22 of the WRN gene. It does not directly change the encoded amino acid sequence of the WRN protein, but it affects a nucleotide within the consensus splice site of the intron.

Literature cited by the submitters: PubMed 17576681; PubMed 9536098.